The following is an entry in ClinVar:

NM_004525.3(LRP2):c.9166G>A (p.Asp3056Asn)

Gene: LRP2 (LDL receptor related protein 2; minus strand). Cytogenetic location: 2q31.1.
Variant type: single nucleotide variant.
Coding change: c.9166G>A on transcript NM_004525.3 (MANE Select); coding-DNA position 9166, G replaced by A.
Protein change: p.Asp3056Asn; replaces aspartic acid 3056 with asparagine.
Molecular consequence: missense variant.
Genome position (GRCh38, 1-based): chr2:169,188,132, C>T on the plus strand (G>A on the coding strand, the complement: LRP2 is on the minus strand). VCF-style: chr2-169188132-C-T. GRCh37 (hg19) VCF-style: chr2-170044642-C-T.
Other names: short protein forms D3056N.
Identifiers: ClinVar variation 1927915 (VCV001927915.5), dbSNP rs1267476908, ClinGen allele CA349156851.
Genomic context (GRCh38, chr2:169,188,132, plus strand): 5'-GACACGTGGGTTCTGGGGTGTGGCACAGGTGCATCAGCTCATCAGATCCGTCTCCACAGT[C>T]ATTATCCTCATCACAGACGAAGGTTTTACTAATGCAGCGCCCGTTCTGACAGGTAAACTG-3'
Protein context (NP_004516.2, residues 3046-3066): SKTFVCDEDN[Asp3056Asn]CGDGSDELMH

ClinVar aggregate classification (germline): Uncertain significance (1 of 4 stars; one submission).

Allele frequency attached by ClinVar (database versions not stated): gnomAD exomes below 0.00001.
gnomAD v4.1: 1 of 1,614,188 alleles (0.000062%); highest among the groups gnomAD compares: East Asian, 0.0022%; no homozygotes.

Submission:

Labcorp Genetics (formerly Invitae), Labcorp
Classification: Uncertain significance. Last evaluated: 2023-08-17. Review status: criteria provided, single submitter. Criteria: Invitae Variant Classification Sherloc (09022015). Collection method: clinical testing. Allele origin: germline.
Comment: In summary, the available evidence is currently insufficient to determine the role of this variant in disease. Therefore, it has been classified as a Variant of Uncertain Significance. Advanced modeling of protein sequence and biophysical properties (such as structural, functional, and spatial information, amino acid conservation, physicochemical variation, residue mobility, and thermodynamic stability) performed at Invitae indicates that this missense variant is not expected to disrupt LRP2 protein function. ClinVar contains an entry for this variant (Variation ID: 1927915). This variant has not been reported in the literature in individuals affected with LRP2-related conditions. This variant is present in population databases (no rsID available, gnomAD 0.006%). This sequence change replaces aspartic acid, which is acidic and polar, with asparagine, which is neutral and polar, at codon 3056 of the LRP2 protein (p.Asp3056Asn).